The following is an entry in ClinVar:

NM_006080.3(SEMA3A):c.1900C>T (p.Leu634Phe)

Gene: SEMA3A (semaphorin 3A; minus strand). Cytogenetic location: 7q21.11.
Variant type: single nucleotide variant.
Coding change: c.1900C>T on transcript NM_006080.3 (MANE Select); coding-DNA position 1900, C replaced by T.
Protein change: p.Leu634Phe; replaces leucine 634 with phenylalanine.
Molecular consequence: missense variant.
Genome position (GRCh38, 1-based): chr7:83,961,787, G>A on the plus strand (C>T on the coding strand, the complement: SEMA3A is on the minus strand). VCF-style: chr7-83961787-G-A. GRCh37 (hg19) VCF-style: chr7-83591103-G-A.
Other names: short protein forms L634F.
Identifiers: ClinVar variation 4993239 (VCV004993239.1).
Genomic context (GRCh38, chr7:83,961,787, plus strand): 5'-GTTCCACCGCATGGCAGAGGTAATTGCCTGAATCCTTCTGTTGTAGACTACGTAGCAGAA[G>A]GCCTTGATCTGTCCTGATGATATGATCATCCACTCTGATCTAGCAGGTTAAAAAAAAGGC-3'
Protein context (NP_006071.1, residues 624-644): DDHIIRTDQG[Leu634Phe]LLRSLQQKDS

ClinVar aggregate classification (germline): Uncertain significance (1 of 4 stars; one submission).

Conditions:
SEMA3A-related disorder. Also called: SEMA3A-related condition.

Submission:

PreventionGenetics, part of Exact Sciences
Classification: Uncertain significance for SEMA3A-related condition. Last evaluated: 2025-08-26. Review status: criteria provided, single submitter. Criteria: ACMG Guidelines, 2015. Collection method: clinical testing. Allele origin: germline.
Comment: The SEMA3A c.1900C>T variant is predicted to result in the amino acid substitution p.Leu634Phe. To our knowledge, this variant has not been reported in the literature or in a large population database (gnomAD), indicating this variant is rare. At this time, the clinical significance of this variant is uncertain due to the absence of conclusive functional and genetic evidence.